The following is an entry in ClinVar:

ClinVar aggregate classification (germline): Uncertain significance (1 of 4 stars; one submission).

Submission:

Labcorp Genetics (formerly Invitae), Labcorp
Classification: Uncertain significance. Last evaluated: 2025-10-24. Review status: criteria provided, single submitter. Criteria: Invitae Variant Classification Sherloc (09022015). Collection method: clinical testing. Allele origin: germline.
Comment: This sequence change replaces valine, which is neutral and non-polar, with alanine, which is neutral and non-polar, at codon 1149 of the DSCAML1 protein (p.Val1149Ala). This variant is not present in population databases (gnomAD no frequency). This variant has not been reported in the literature in individuals affected with DSCAML1-related conditions. An algorithm developed to predict the effect of missense changes on protein structure and function (PolyPhen-2) suggests that this variant is likely to be disruptive. In summary, the available evidence is currently insufficient to determine the role of this variant in disease. Therefore, it has been classified as a Variant of Uncertain Significance.

NM_020693.4(DSCAML1):c.3266T>C (p.Val1089Ala)

Gene: DSCAML1 (DS cell adhesion molecule like 1; minus strand). Cytogenetic location: 11q23.3.
Variant type: single nucleotide variant.
Coding change: c.3266T>C on transcript NM_020693.4 (MANE Select); coding-DNA position 3266, T replaced by C.
Protein change: p.Val1089Ala; replaces valine 1089 with alanine.
Molecular consequence: missense variant.
Genome position (GRCh38, 1-based): chr11:117,461,596, A>G on the plus strand (T>C on the coding strand, the complement: DSCAML1 is on the minus strand). VCF-style: chr11-117461596-A-G. GRCh37 (hg19) VCF-style: chr11-117332312-A-G.
Other names: short protein forms V1089A.
Identifiers: ClinVar variation 4809753 (VCV004809753.1).